The following is an entry in ClinVar:

ClinVar aggregate classification (germline): Likely pathogenic (1 of 4 stars; one submission).

Submission:

GeneDx
Classification: Likely pathogenic. Last evaluated: 2018-09-07. Review status: criteria provided, single submitter. Criteria: GeneDx Variant Classification (06012015). Collection method: clinical testing. Allele origin: germline. Affected: yes.
Comment: The c.4464_4471dupGTCCCCAC variant in the WDR62 gene has not been reported previously as a pathogenic variant nor as a benign variant, to our knowledge. This frameshift variant replaces the typical last 33 amino acid residues with 48 different amino acid residues. This alteration may interfere with the proper formation and/or function of the protein. The c.4464_4471dupGTCCCCAC variant is not observed in large population cohorts (Lek et al., 2016). We interpret c.4464_4471dupGTCCCCAC as a likely pathogenic variant.

NM_001083961.2(WDR62):c.4464_4471dup (p.Pro1491fs)

Gene: WDR62 (WD repeat domain 62; plus strand). Cytogenetic location: 19q13.12.
Variant type: Duplication.
Coding change: c.4464_4471dup on transcript NM_001083961.2 (MANE Select); coding-DNA positions 4464 to 4471, 8 bases duplicated (GTCCCCAC; older notation c.4464_4471dupGTCCCCAC).
Protein change: p.Pro1491fs; shifts the reading frame from proline 1491.
Molecular consequence: frameshift variant.
Genome position (GRCh38, 1-based): chr19:36,104,920-36,104,927, GTCCCCAC duplicated; duplicating any 8 consecutive bases within chr19:36,104,919-36,104,927 gives the same sequence; the c. name uses the placement nearest the transcript's 3' end. VCF-style (leftmost placement, unchanged base first): chr19-36104918-C-CCGTCCCCA. GRCh37 (hg19) VCF-style: chr19-36595820-C-CCGTCCCCA.
Other names: c.4449_4456dup, p.Pro1486fs (NM_173636.5); short protein forms P1486fs, P1491fs.
Identifiers: ClinVar variation 817779 (VCV000817779.1), dbSNP rs1599852762, ClinGen allele CA915952294.